The following is an entry in ClinVar:

ClinVar aggregate classification (germline): Uncertain significance. Review status: criteria provided, single submitter (1 of 4 stars). 2 submissions from 2 submitters: Uncertain significance (1). 1 of the submissions does not count toward it. Last evaluated 2025-09-10.

Conditions:
Osteodysplastic primordial dwarfism, type 1 (MOPD1). Also called: Microcephalic Osteodysplastic Primordial Dwarfism, Type I; MICROCEPHALIC OSTEODYSPLASTIC PRIMORDIAL DWARFISM, TYPE III; MOPD III; OSTEODYSPLASTIC PRIMORDIAL DWARFISM, TYPE III; MICROCEPHALIC OSTEODYSPLASTIC PRIMORDIAL DWARFISM TYPE I/III; MOPD I/III. Identifiers: Orphanet 2636, MedGen C1859452, MONDO:0008871, OMIM 210710.

gnomAD v4.1: 3 of 697,750 alleles (0.00043%); highest among the groups gnomAD compares: Admixed American, 0.002%; no homozygotes.

Submissions (2):

3billion
Classification: Uncertain significance for Osteodysplastic primordial dwarfism, type 1. Last evaluated: 2025-09-10. Review status: criteria provided, single submitter. Criteria: ACMG Guidelines, 2015. Collection method: clinical testing. Allele origin: germline. Affected: yes.
Comment: The variant is not observed in the gnomAD v4.1.0 dataset. Predicted Consequence/Location: Frameshift: predicted to result in a loss or disruption of normal protein function through nonsense-mediated decay (NMD) or protein truncation. Multiple pathogenic variants are reported downstream of the variant. The variant has been reported to be associated with GORAB-related disorder (ClinVar ID: VCV000804379). Therefore, this variant is classified as Pathogenic according to the recommendation of ACMG/AMP guideline.

Service de Génétique Moléculaire, Hôpital Robert Debré
Classification: Likely pathogenic for Osteodysplastic primordial dwarfism, type 1. Review status: no assertion criteria provided. Collection method: clinical testing. Allele origin: unknown. Affected: yes. Not counted in ClinVar's aggregate classification.

NR_023343.3(RNU4ATAC):n.29T>G

Genes: CLASP1 (cytoplasmic linker associated protein 1; minus strand), CLASP1-AS1 (CLASP1 antisense RNA 1; plus strand), RNU4ATAC (RNA, U4atac small nuclear; plus strand). Cytogenetic location: 2q14.2.
Variant type: single nucleotide variant.
Molecular consequence: intron variant (on NM_001395891.1).
Genome position: GRCh38 VCF-style: chr2-121530908-T-G. GRCh37 (hg19) VCF-style: chr2-122288484-T-G.
Other names: c.196-583A>C (NM_001142274.2, NM_015282.3, NM_001378003.1 and 5 more transcripts).
Identifiers: ClinVar variation 977869 (VCV000977869.3), dbSNP rs779143800, ClinGen allele CA428887875.